The following is an entry in ClinVar:

ClinVar aggregate classification (germline): Uncertain significance (1 of 4 stars; one submission).

Conditions:
Long QT syndrome (LQTS). Identifiers: MedGen C0023976, MeSH D008133, MONDO:0002442. Disease mechanism: loss of function. Inheritance: Various modes of inheritance.

Submission:

All of Us Research Program, National Institutes of Health
Classification: Uncertain significance for Long QT syndrome. Last evaluated: 2023-04-10. Review status: criteria provided, single submitter. Criteria: ACMG Guidelines, 2015. Collection method: clinical testing. Allele origin: germline. Inheritance: Autosomal dominant inheritance. Observed: 1 variant allele, 1 heterozygote.
Comment: This missense variant replaces glutamine with proline at codon 615 of the KCNQ1 protein. Computational prediction is inconclusive regarding the impact of this variant on protein structure and function (internally defined REVEL score threshold 0.5 < inconclusive < 0.7, PMID: 27666373). To our knowledge, functional studies have not been reported for this variant. This variant has not been reported in individuals affected with KCNQ1-related disorders in the literature. This variant has not been identified in the general population by the Genome Aggregation Database (gnomAD). The available evidence is insufficient to determine the role of this variant in disease conclusively. Therefore, this variant is classified as a Variant of Uncertain Significance.

This study involves interpretation of variants in research participants for the purpose of population health screening. Participant phenotype was not available at the time of variant classification. Additional details can be found in publication PMID: 35346344, PMCID: PMC8962531

NM_000218.3(KCNQ1):c.1844A>C (p.Gln615Pro)

Genes: KCNQ1 (potassium voltage-gated channel subfamily Q member 1; plus strand), KCNQ1-AS1 (KCNQ1 antisense RNA 1; minus strand). Cytogenetic location: 11p15.4.
Variant type: single nucleotide variant.
Coding change: c.1844A>C on transcript NM_000218.3 (MANE Select); coding-DNA position 1844, A replaced by C.
Protein change: p.Gln615Pro; replaces glutamine 615 with proline.
Molecular consequence: missense variant.
Genome position (GRCh38, 1-based): chr11:2,847,816, A>C. VCF-style: chr11-2847816-A-C. GRCh37 (hg19) VCF-style: chr11-2869046-A-C.
Other names: c.1748A>C, p.Gln583Pro (NM_001406836.1); c.1574A>C, p.Gln525Pro (NM_001406837.1); c.1304A>C, p.Gln435Pro (NM_001406838.1); c.356A>C, p.Gln119Pro (NM_001406839.1); c.1463A>C, p.Gln488Pro (NM_181798.2); short protein forms Q119P, Q435P, Q488P, Q525P, Q583P, Q615P.
Identifiers: ClinVar variation 3070450 (VCV003070450.1), dbSNP rs1848362662, ClinGen allele CA379140277.